The following is an entry in ClinVar:

NM_005726.6(TSFM):c.74G>A (p.Arg25His)

Gene: TSFM (Ts translation elongation factor, mitochondrial; plus strand). Cytogenetic location: 12q14.1.
Variant type: single nucleotide variant.
Coding change: c.74G>A on transcript NM_005726.6 (MANE Select); coding-DNA position 74, G replaced by A.
Protein change: p.Arg25His; replaces arginine 25 with histidine.
Molecular consequence: missense variant.
Genome position (GRCh38, 1-based): chr12:57,783,126, G>A. VCF-style: chr12-57783126-G-A. GRCh37 (hg19) VCF-style: chr12-58176909-G-A.
Other names: c.74G>A, p.Arg25His (NM_001172695.2, NM_001172696.2, NM_001172697.2); short protein forms R25H.
Identifiers: ClinVar variation 1488765 (VCV001488765.5), dbSNP rs1432500045, ClinGen allele CA385523234.

ClinVar aggregate classification (germline): Uncertain significance (1 of 4 stars; one submission).

Allele frequency attached by ClinVar (database versions not stated): gnomAD exomes below 0.00001.
gnomAD v4.1: 2 of 1,610,714 alleles (0.00012%); highest among the groups gnomAD compares: South Asian, 0.0022%; no homozygotes.

Submission:

Labcorp Genetics (formerly Invitae), Labcorp
Classification: Uncertain significance. Last evaluated: 2022-11-01. Review status: criteria provided, single submitter. Criteria: Invitae Variant Classification Sherloc (09022015). Collection method: clinical testing. Allele origin: germline.
Comment: This sequence change replaces arginine, which is basic and polar, with histidine, which is basic and polar, at codon 25 of the TSFM protein (p.Arg25His). This variant is present in population databases (no rsID available, gnomAD 0.003%). This variant has not been reported in the literature in individuals affected with TSFM-related conditions. ClinVar contains an entry for this variant (Variation ID: 1488765). Algorithms developed to predict the effect of missense changes on protein structure and function (SIFT, PolyPhen-2, Align-GVGD) all suggest that this variant is likely to be tolerated. In summary, the available evidence is currently insufficient to determine the role of this variant in disease. Therefore, it has been classified as a Variant of Uncertain Significance.